The following is an entry in ClinVar:

ClinVar aggregate classification (germline): Likely benign. Review status: criteria provided, multiple submitters, no conflicts (2 of 4 stars). 3 submissions from 3 submitters: Likely benign (3). Last evaluated 2024-09-27.

Conditions:
Aortic aneurysm, familial thoracic 7 (AAT7). Also called: AORTIC DISSECTION, FAMILIAL, WITH OR WITHOUT AORTIC ANEURYSM. Identifiers: MedGen C3151077, MONDO:0013418, OMIM 613780.
Familial thoracic aortic aneurysm and aortic dissection (TAAD). Also called: Thoracic aortic aneurysms and dissections. Identifiers: Orphanet 91387, MedGen C4707243, MONDO:0019625.

Allele frequency attached by ClinVar (database versions not stated): gnomAD exomes below 0.00001.
gnomAD v4.1: 2 of 1,614,198 alleles (0.00012%); highest among the groups gnomAD compares: Non-Finnish European, 0.00017%; no homozygotes.

Submissions (3):

Labcorp Genetics (formerly Invitae), Labcorp
Classification: Likely benign for Aortic aneurysm, familial thoracic 7. Last evaluated: 2024-09-27. Review status: criteria provided, single submitter. Criteria: Invitae Variant Classification Sherloc (09022015). Collection method: clinical testing. Allele origin: germline.

Ambry Genetics
Classification: Likely benign for Familial thoracic aortic aneurysm and aortic dissection. Last evaluated: 2023-01-18. Review status: criteria provided, single submitter. Criteria: Ambry Variant Classification Scheme 2023. Collection method: clinical testing. Allele origin: germline.

GeneDx
Classification: Likely benign. Last evaluated: 2017-11-09. Review status: criteria provided, single submitter. Criteria: GeneDx Variant Classification (06012015). Collection method: clinical testing. Allele origin: germline. Affected: yes.
Comment: This variant is considered likely benign or benign based on one or more of the following criteria: it is a conservative change, it occurs at a poorly conserved position in the protein, it is predicted to be benign by multiple in silico algorithms, and/or has population frequency not consistent with disease.

NM_053025.4(MYLK):c.1239C>T (p.Phe413=)

Gene: MYLK (myosin light chain kinase; minus strand). Cytogenetic location: 3q21.1.
Variant type: single nucleotide variant.
Coding change: c.1239C>T on transcript NM_053025.4 (MANE Select); coding-DNA position 1239, C replaced by T.
Protein change: p.Phe413=; no amino-acid change (phenylalanine 413 retained).
Molecular consequence: synonymous variant.
Genome position (GRCh38, 1-based): chr3:123,733,757, G>A on the plus strand (C>T on the coding strand, the complement: MYLK is on the minus strand). VCF-style: chr3-123733757-G-A. GRCh37 (hg19) VCF-style: chr3-123452604-G-A.
Other names: c.711C>T, p.Phe237= (NM_001321309.2); c.1239C>T, p.Phe413= (NM_053026.4, NM_053027.4, NM_053028.4).
Identifiers: ClinVar variation 513211 (VCV000513211.8), dbSNP rs1283457393, ClinGen allele CA435307044.